The following is an entry in ClinVar:

NM_001098816.3(TENM4):c.1553G>A (p.Arg518Gln)

Gene: TENM4 (teneurin transmembrane protein 4; minus strand). Cytogenetic location: 11q14.1.
Variant type: single nucleotide variant.
Coding change: c.1553G>A on transcript NM_001098816.3 (MANE Select); coding-DNA position 1553, G replaced by A.
Protein change: p.Arg518Gln; replaces arginine 518 with glutamine.
Molecular consequence: missense variant.
Genome position (GRCh38, 1-based): chr11:78,854,232, C>T on the plus strand (G>A on the coding strand, the complement: TENM4 is on the minus strand). VCF-style: chr11-78854232-C-T. GRCh37 (hg19) VCF-style: chr11-78565277-C-T.
Other names: short protein forms R518Q.
Identifiers: ClinVar variation 1685170 (VCV001685170.26), dbSNP rs201191369, ClinGen allele CA6207535.

ClinVar aggregate classification (germline): Conflicting classifications of pathogenicity. Review status: criteria provided, conflicting classifications (1 of 4 stars). 3 submissions from 3 submitters: Uncertain significance (1); Likely benign (2). Last evaluated 2024-11-21.

Allele frequency attached by ClinVar (database versions not stated): 1000 Genomes Project 30x 0.00031; 1000 Genomes Project 0.00040; TOPMed 0.00060; ExAC 0.00067; gnomAD exomes 0.00079 and 0.00108; ESP Exome Variant Server 0.00088; gnomAD 0.00092 and 0.00098.

Submissions (3):

Blueprint Genetics
Classification: Likely benign. Last evaluated: 2024-11-21. Review status: criteria provided, single submitter. Criteria: ACMG Guidelines, 2015. Collection method: clinical testing. Allele origin: germline.

CeGaT Center for Human Genetics Tuebingen
Classification: Likely benign. Last evaluated: 2023-09-01. Review status: criteria provided, single submitter. Criteria: CeGaT Center For Human Genetics Tuebingen Variant Classification Criteria Version 2. Collection method: clinical testing. Allele origin: germline. Affected: yes. Observed: 1 variant allele.
Comment: TENM4: BP4, BS1

Mendelics
Classification: Uncertain significance. Last evaluated: 2022-05-04. Review status: criteria provided, single submitter. Criteria: Mendelics Assertion Criteria 2019. Collection method: clinical testing. Allele origin: germline.